The following is an entry in ClinVar:

NM_001044.5(SLC6A3):c.1086C>T (p.Phe362=)

Gene: SLC6A3 (solute carrier family 6 member 3). Cytogenetic location: 5p15.33.
Variant type: single nucleotide variant.
Coding change: c.1086C>T on transcript NM_001044.5 (MANE Select); coding-DNA position 1086, C replaced by T.
Protein change: p.Phe362=; no amino-acid change (phenylalanine 362 retained).
Molecular consequence: synonymous variant.
Genome position (GRCh38, 1-based): chr5:1,414,761, G>A on the plus strand (C>T on the coding strand, the complement: SLC6A3 is on the minus strand). VCF-style: chr5-1414761-G-A. GRCh37 (hg19) VCF-style: chr5-1414876-G-A.
Identifiers: ClinVar variation 695829 (VCV000695829.20), dbSNP rs28363072, ClinGen allele CA3186162.

ClinVar aggregate classification (germline): Benign/Likely benign. Review status: criteria provided, multiple submitters, no conflicts (2 of 4 stars). 3 submissions from 3 submitters: Benign (1); Likely benign (2). Last evaluated 2026-01-15.

Conditions:
SLC6A3-related disorder. Also called: SLC6A3-related condition.
Parkinsonism-dystonia, infantile. Identifiers: Orphanet 238455, MedGen C2751067, MONDO:0013150.

Allele frequency attached by ClinVar (database versions not stated): ESP Exome Variant Server 0.00015; gnomAD exomes 0.00026 and 0.00081; gnomAD 0.00035; TOPMed 0.00043; ExAC 0.00066.
gnomAD v4.1: 418 of 1,612,920 alleles (0.026%); highest among the groups gnomAD compares: Admixed American, 0.38%; 2 homozygotes.

Submissions (3):

Labcorp Genetics (formerly Invitae), Labcorp
Classification: Benign for Parkinsonism-dystonia, infantile. Last evaluated: 2026-01-15. Review status: criteria provided, single submitter. Criteria: Invitae Variant Classification Sherloc (09022015). Collection method: clinical testing. Allele origin: germline.

CeGaT Center for Human Genetics Tuebingen
Classification: Likely benign. Last evaluated: 2025-08-01. Review status: criteria provided, single submitter. Criteria: CeGaT Center For Human Genetics Tuebingen Variant Classification Criteria Version 2. Collection method: clinical testing. Allele origin: germline. Affected: yes. Observed: 1 variant allele.
Comment: SLC6A3: BP4, BP7

PreventionGenetics, part of Exact Sciences
Classification: Likely benign for SLC6A3-related condition. Last evaluated: 2025-03-26. Review status: criteria provided, single submitter. Criteria: ACMG Guidelines, 2015. Collection method: clinical testing. Allele origin: germline.
Comment: This variant is classified as likely benign based on ACMG/AMP sequence variant interpretation guidelines (Richards et al. 2015 PMID: 25741868, with internal and published modifications).